The following is an entry in ClinVar:

ClinVar aggregate classification (germline): Uncertain significance. Review status: criteria provided, multiple submitters, no conflicts (2 of 4 stars). 3 submissions from 3 submitters: Uncertain significance (3). Last evaluated 2026-04-07.

Conditions:
Cardiovascular phenotype. Identifiers: MedGen CN230736.
Ehlers-Danlos syndrome, musculocontractural type (EDSMC). Also called: Adducted thumb, clubfoot, progressive joint and skin laxity syndrome; ARTHROGRYPOSIS, DISTAL, WITH PECULIAR FACIES AND HYDRONEPHROSIS; ADDUCTED THUMB-CLUBFOOT SYNDROME; DUNDAR SYNDROME. Identifiers: Orphanet 2953, MedGen C1866294, MONDO:0011142.

Allele frequency attached by ClinVar (database versions not stated): TOPMed 0.00003; ExAC 0.00002; gnomAD 0.00001 and 0.00002; gnomAD exomes 0.00002; ESP Exome Variant Server 0.00008.

Submissions (3):

GeneDx
Classification: Uncertain significance. Last evaluated: 2026-04-07. Review status: criteria provided, single submitter. Criteria: GeneDx Variant Classification Process June 2021. Collection method: clinical testing. Allele origin: germline.
Comment: Not observed at significant frequency in large population cohorts (gnomAD); In silico analysis suggests that this missense variant does not alter protein structure/function; Has not been previously published as pathogenic or benign to our knowledge

Ambry Genetics
Classification: Uncertain significance for Cardiovascular phenotype. Last evaluated: 2023-04-05. Review status: criteria provided, single submitter. Criteria: Ambry Variant Classification Scheme 2023. Collection method: clinical testing. Allele origin: germline.
Comment: The p.Q308K variant (also known as c.922C>A), located in coding exon 1 of the CHST14 gene, results from a C to A substitution at nucleotide position 922. The glutamine at codon 308 is replaced by lysine, an amino acid with similar properties. This amino acid position is not well conserved in available vertebrate species. In addition, this alteration is predicted to be tolerated by in silico analysis. Since supporting evidence is limited at this time, the clinical significance of this alteration remains unclear.

Labcorp Genetics (formerly Invitae), Labcorp
Classification: Uncertain significance for Ehlers-Danlos syndrome, musculocontractural type. Last evaluated: 2022-02-08. Review status: criteria provided, single submitter. Criteria: Invitae Variant Classification Sherloc (09022015). Collection method: clinical testing. Allele origin: germline.
Comment: This sequence change replaces glutamine, which is neutral and polar, with lysine, which is basic and polar, at codon 308 of the CHST14 protein (p.Gln308Lys). This variant is present in population databases (rs373443856, gnomAD 0.005%). This variant has not been reported in the literature in individuals affected with CHST14-related conditions. Algorithms developed to predict the effect of missense changes on protein structure and function (SIFT, PolyPhen-2, Align-GVGD) all suggest that this variant is likely to be tolerated. In summary, the available evidence is currently insufficient to determine the role of this variant in disease. Therefore, it has been classified as a Variant of Uncertain Significance.

NM_130468.4(CHST14):c.922C>A (p.Gln308Lys)

Gene: CHST14 (carbohydrate sulfotransferase 14; plus strand). Cytogenetic location: 15q15.1.
Variant type: single nucleotide variant.
Coding change: c.922C>A on transcript NM_130468.4 (MANE Select); coding-DNA position 922, C replaced by A.
Protein change: p.Gln308Lys; replaces glutamine 308 with lysine.
Molecular consequence: missense variant.
Genome position (GRCh38, 1-based): chr15:40,472,135, C>A. VCF-style: chr15-40472135-C-A. GRCh37 (hg19) VCF-style: chr15-40764334-C-A.
Other names: short protein forms Q308K.
Identifiers: ClinVar variation 1449679 (VCV001449679.8), dbSNP rs373443856, ClinGen allele CA7481669.